The following is an entry in ClinVar:

ClinVar aggregate classification (germline): Uncertain significance (1 of 4 stars; one submission).

Conditions:
Cardiovascular phenotype. Identifiers: MedGen CN230736.

Allele frequency attached by ClinVar (database versions not stated): gnomAD exomes below 0.00001.
gnomAD v4.1: 1 of 1,611,426 alleles (0.000062%); highest among the groups gnomAD compares: Non-Finnish European, 0.000085%; no homozygotes.

Submission:

Ambry Genetics
Classification: Uncertain significance for Cardiovascular phenotype. Last evaluated: 2022-08-17. Review status: criteria provided, single submitter. Criteria: Ambry Variant Classification Scheme 2023. Collection method: clinical testing. Allele origin: germline.
Comment: The p.V72L variant (also known as c.214G>T), located in coding exon 3 of the FKTN gene, results from a G to T substitution at nucleotide position 214. The valine at codon 72 is replaced by leucine, an amino acid with highly similar properties. This amino acid position is conserved. In addition, this alteration is predicted to be deleterious by in silico analysis. Since supporting evidence is limited at this time, the clinical significance of this alteration remains unclear.

NM_001079802.2(FKTN):c.214G>T (p.Val72Leu)

Gene: FKTN (fukutin; plus strand). Cytogenetic location: 9q31.2.
Variant type: single nucleotide variant.
Coding change: c.214G>T on transcript NM_001079802.2 (MANE Select); coding-DNA position 214, G replaced by T.
Protein change: p.Val72Leu; replaces valine 72 with leucine.
Molecular consequence: missense variant. On other transcripts: 5 prime UTR variant (4), non-coding transcript variant (2).
Genome position (GRCh38, 1-based): chr9:105,601,193, G>T. VCF-style: chr9-105601193-G-T. GRCh37 (hg19) VCF-style: chr9-108363474-G-T.
Other names: c.214G>T, p.Val72Leu (NM_001198963.2, NM_001351496.2, NM_001351498.2 and 1 more transcripts); c.145G>T, p.Val49Leu (NM_001351497.2); c.-301G>T (NM_001351499.2, NM_001351500.2, NM_001351501.2 and 1 more transcripts); short protein forms V72L, V49L.
Identifiers: ClinVar variation 1786728 (VCV001786728.2), dbSNP rs2539333840, ClinGen allele CA374331497.